The following is an entry in ClinVar:

ClinVar aggregate classification (germline): Benign/Likely benign. Review status: criteria provided, multiple submitters, no conflicts (2 of 4 stars). 14 submissions from 14 submitters: Benign (9); Likely benign (2). 3 of the submissions do not count toward it. Last evaluated 2025-02-16.

Conditions:
Hereditary cancer-predisposing syndrome. Also called: Tumor predisposition; Neoplastic Syndromes, Hereditary; Hereditary Cancer Syndrome; Hereditary neoplastic syndrome. Identifiers: Orphanet 140162, MedGen C0027672, MeSH D009386, MONDO:0015356.
Inborn genetic diseases. Identifiers: MedGen C0950123, MeSH D030342.
Wilms tumor 1 (WT1). Also called: Wilms tumor, somatic. Identifiers: Orphanet 654, MedGen CN033288, MONDO:0008679, OMIM 194070.
Simpson-Golabi-Behmel syndrome type 1 (SGBS1). Also called: GOLABI-ROSEN SYNDROME; GPC3-Related Simpson-Golabi-Behmel Syndrome Type 1; DYSPLASIA GIGANTISM SYNDROME, X-LINKED; BULLDOG SYNDROME; SIMPSON DYSMORPHIA SYNDROME. Identifiers: Orphanet 373, MedGen C0796154, MONDO:0020602, OMIM 312870.

Submissions (16):

Laboratory of Genetics, Children's Clinical University Hospital Latvia
Classification: Benign. Last evaluated: 2025-02-16. Review status: criteria provided, single submitter. Criteria: ACMG Guidelines, 2015. Collection method: clinical testing. Allele origin: germline. Affected: yes.

Blueprint Genetics
Classification: Likely benign. Last evaluated: 2024-11-28. Review status: criteria provided, single submitter. Criteria: ACMG Guidelines, 2015. Collection method: clinical testing. Allele origin: germline.

Mayo Clinic Laboratories, Mayo Clinic
Classification: Benign. Last evaluated: 2022-11-17. Review status: criteria provided, single submitter. Criteria: ACMG Guidelines, 2015. Collection method: clinical testing. Allele origin: germline. Observed: 677 variant alleles.
Comment: BA1, BP4, BP7

Fulgent Genetics
Classification: Likely benign for Wilms tumor 1; Simpson-Golabi-Behmel syndrome type 1. Last evaluated: 2021-08-25. Review status: criteria provided, single submitter. Criteria: ACMG Guidelines, 2015. Collection method: clinical testing. Allele origin: unknown.

Labcorp Genetics (formerly Invitae), Labcorp
Classification: Benign for Wilms tumor 1. Last evaluated: 2019-12-19. Review status: criteria provided, single submitter. Criteria: Invitae Variant Classification Sherloc (09022015). Collection method: clinical testing. Allele origin: germline.

Sema4
Classification: Benign for Hereditary cancer-predisposing syndrome. Last evaluated: 2019-12-09. Review status: criteria provided, single submitter. Criteria: Sema4 Curation Guidelines. Collection method: curation. Allele origin: germline.

GeneDx
Classification: Benign. Last evaluated: 2019-08-18. Review status: criteria provided, single submitter. Criteria: GeneDx Variant Classification Process June 2021. Collection method: clinical testing. Allele origin: germline. Affected: yes.

Mendelics
Classification: Benign for Wilms tumor 1. Last evaluated: 2019-05-28. Review status: criteria provided, single submitter. Criteria: Mendelics Assertion Criteria 2017. Collection method: clinical testing. Allele origin: unknown.

Ambry Genetics
Classification: Benign for Inborn genetic diseases. Last evaluated: 2017-07-13. Review status: criteria provided, single submitter. Criteria: Ambry Variant Classification Scheme 2023. Collection method: clinical testing. Allele origin: germline.

Laboratory for Molecular Medicine, Mass General Brigham Personalized Medicine
Classification: Benign. Last evaluated: 2016-03-28. Review status: criteria provided, single submitter. Criteria: LMM Criteria. Collection method: clinical testing. Allele origin: germline.
Comment: Variant identified in a genome or exome case(s) and assessed due to predicted null impact of the variant or pathogenic assertions in the literature or databases. Disclaimer: This variant has not undergone full assessment. The following are preliminary notes: Present in 32% of Europeans in ExAC, but fails inbreeding coefficient filter. Not predicted to impact splicing.

Genomic Diagnostic Laboratory, Division of Genomic Diagnostics, Children's Hospital of Philadelphia
Classification: Benign. Last evaluated: 2015-03-25. Review status: criteria provided, single submitter. Criteria: DGD Variant Analysis Guidelines. Collection method: clinical testing. Allele origin: unknown.

Clinical Genetics DNA and cytogenetics Diagnostics Lab, Erasmus MC, Erasmus Medical Center
Classification: Benign. Review status: no assertion criteria provided. Collection method: clinical testing. Allele origin: germline. Affected: yes. Study: VKGL Data-share Consensus. Not counted in ClinVar's aggregate classification.

Dr. Peter K. Rogan Lab, Western University
No classification provided (evidence only). Condition: Familial cancer of breast. Review status: no classification provided. Collection method: in vitro. Allele origin: not applicable. Functional consequence: retained intron. Not counted in ClinVar's aggregate classification.

Dr. Peter K. Rogan Lab, Western University
No classification provided (evidence only). Condition: Glioma susceptibility 1. Review status: no classification provided. Collection method: in vitro. Allele origin: not applicable. Functional consequence: retained intron. Not counted in ClinVar's aggregate classification.

Genome Diagnostics Laboratory, Amsterdam University Medical Center
Classification: Likely benign. Review status: no assertion criteria provided. Collection method: clinical testing. Allele origin: germline. Affected: yes. Study: VKGL Data-share Consensus. Not counted in ClinVar's aggregate classification.

Laboratory of Diagnostic Genome Analysis, Leiden University Medical Center (LUMC)
Classification: Likely benign. Review status: no assertion criteria provided. Collection method: clinical testing. Allele origin: germline. Affected: yes. Study: VKGL Data-share Consensus. Not counted in ClinVar's aggregate classification.

NM_004484.4(GPC3):c.338-5del

Gene: GPC3 (glypican 3; minus strand). Cytogenetic location: Xq26.2.
Variant type: Deletion.
Coding change: c.338-5del on transcript NM_004484.4 (MANE Select); 5 bases into the intron before coding-DNA position 338, one base deleted (T; older notation c.338-5delT).
Molecular consequence: intron variant.
Genome position (GRCh38, 1-based): chrX:133,754,181, A deleted on the plus strand (T on the coding strand, the reverse complement: GPC3 is on the minus strand); the first of 16 consecutive A bases (chrX:133,754,181-133,754,196); deleting any one gives the same sequence. VCF-style (leftmost placement, unchanged base first): chrX-133754180-TA-T. GRCh37 (hg19) VCF-style: chrX-132888207-TA-T.
Other names: NC_000023.10:g.132888223del; p.?; c.338-5delT (NM_004484.3, NM_001164617.1); c.338-20del (NM_004484.4); c.176-5del (NM_001164619.2); c.290-5del (NM_001164618.2); c.338-5del (NM_001164617.2).
Identifiers: ClinVar variation 218527 (VCV000218527.24), dbSNP rs370737647, ClinGen allele CA248907.